The following is an entry in ClinVar:

NM_000035.4(ALDOB):c.848A>G (p.Asn283Ser)

Gene: ALDOB (aldolase, fructose-bisphosphate B; minus strand). Cytogenetic location: 9q31.1.
Variant type: single nucleotide variant.
Coding change: c.848A>G on transcript NM_000035.4 (MANE Select); coding-DNA position 848, A replaced by G.
Protein change: p.Asn283Ser; replaces asparagine 283 with serine.
Molecular consequence: missense variant.
Genome position (GRCh38, 1-based): chr9:101,424,994, T>C on the plus strand (A>G on the coding strand, the complement: ALDOB is on the minus strand). VCF-style: chr9-101424994-T-C. GRCh37 (hg19) VCF-style: chr9-104187276-T-C.
Other names: short protein forms N283S.
Identifiers: ClinVar variation 3110339 (VCV003110339.2), dbSNP rs1380364278, ClinGen allele CA374264497.

ClinVar aggregate classification (germline): Uncertain significance. Review status: criteria provided, multiple submitters, no conflicts (2 of 4 stars). 2 submissions from 2 submitters: Uncertain significance (2). Last evaluated 2025-02-24.

Conditions:
Hereditary fructosuria. Also called: ALDOB DEFICIENCY; ALDOLASE B DEFICIENCY; FRUCTOSE-1,6-BISPHOSPHATE ALDOLASE B DEFICIENCY; FRUCTOSE-1-PHOSPHATE ALDOLASE DEFICIENCY; FRUCTOSEMIA; Fructose intolerance. Identifiers: Orphanet 469, MedGen C0016751, MONDO:0009249, OMIM 229600, HP:0005973. Disease mechanism: loss of function.
Inborn genetic diseases. Identifiers: MedGen C0950123, MeSH D030342.

Allele frequency attached by ClinVar (database versions not stated): gnomAD exomes 0.00001.
gnomAD v4.1: 12 of 1,614,160 alleles (0.00074%); highest among the groups gnomAD compares: East Asian, 0.0045%; no homozygotes.

Submissions (2):

Labcorp Genetics (formerly Invitae), Labcorp
Classification: Uncertain significance for Hereditary fructosuria. Last evaluated: 2025-02-24. Review status: criteria provided, single submitter. Criteria: Invitae Variant Classification Sherloc (09022015). Collection method: clinical testing. Allele origin: germline.
Comment: This sequence change replaces asparagine, which is neutral and polar, with serine, which is neutral and polar, at codon 283 of the ALDOB protein (p.Asn283Ser). This variant is present in population databases (no rsID available, gnomAD 0.0009%). This variant has not been reported in the literature in individuals affected with ALDOB-related conditions. ClinVar contains an entry for this variant (Variation ID: 3110339). An algorithm developed to predict the effect of missense changes on protein structure and function (PolyPhen-2) suggests that this variant is likely to be disruptive. In summary, the available evidence is currently insufficient to determine the role of this variant in disease. Therefore, it has been classified as a Variant of Uncertain Significance.

Ambry Genetics
Classification: Uncertain significance for Inborn genetic diseases. Last evaluated: 2023-12-09. Review status: criteria provided, single submitter. Criteria: Ambry Variant Classification Scheme 2023. Collection method: clinical testing. Allele origin: germline.